The following is an entry in ClinVar:

NM_139343.3(BIN1):c.775-9C>T

Gene: BIN1 (bridging integrator 1; minus strand). Cytogenetic location: 2q14.3.
Variant type: single nucleotide variant.
Coding change: c.775-9C>T on transcript NM_139343.3 (MANE Select); 9 bases into the intron before coding-DNA position 775, C replaced by T.
Molecular consequence: intron variant.
Genome position (GRCh38, 1-based): chr2:127,062,206, G>A on the plus strand (C>T on the coding strand, the complement: BIN1 is on the minus strand). VCF-style: chr2-127062206-G-A. GRCh37 (hg19) VCF-style: chr2-127819782-G-A.
Other names: c.694-9C>T (NM_001320642.1); c.610-9C>T (NM_001320634.1); c.682-9C>T (NM_139351.3, NM_139350.3, NM_139349.3 and 6 more transcripts); c.775-9C>T (NM_001320633.2, NM_139345.3, NM_139344.3 and 1 more transcripts).
Identifiers: ClinVar variation 507669 (VCV000507669.1), dbSNP rs1310448296, ClinGen allele CA535638113.

ClinVar aggregate classification (germline): Likely benign (1 of 4 stars; one submission).

Allele frequency attached by ClinVar (database versions not stated): gnomAD 0.00001.
gnomAD v4.1: 2 of 1,596,732 alleles (0.00013%); highest among the groups gnomAD compares: Non-Finnish European, 0.00017%; no homozygotes.

Submission:

GeneDx
Classification: Likely benign. Last evaluated: 2017-02-27. Review status: criteria provided, single submitter. Criteria: GeneDx Variant Classification (06012015). Collection method: clinical testing. Allele origin: germline. Affected: yes.
Comment: This variant is considered likely benign or benign based on one or more of the following criteria: it is a conservative change, it occurs at a poorly conserved position in the protein, it is predicted to be benign by multiple in silico algorithms, and/or has population frequency not consistent with disease.